The following is an entry in ClinVar:

ClinVar aggregate classification (germline): Conflicting classifications of pathogenicity. Review status: criteria provided, conflicting classifications (1 of 4 stars). 20 submissions from 20 submitters: Uncertain significance (2); Benign (5); Likely benign (6). 7 of the submissions do not count toward it. Last evaluated 2026-08-01.

Conditions:
FANCA-related disorder. Also called: FANCA-related condition.
Fanconi anemia (FA). Also called: Fanconi's anemia. Identifiers: Orphanet 84, MedGen C0015625, MeSH D005199, MONDO:0019391.
Fanconi anemia complementation group A (FANCA). Also called: FANCA-Related Fanconi Anemia; Fanconi anemia, group A. Identifiers: Orphanet 84, MedGen C3469521, MONDO:0009215, OMIM 227650.

Allele frequency attached by ClinVar (database versions not stated): ESP Exome Variant Server 0.00246; TOPMed 0.00295; 1000 Genomes Project 0.00300; 1000 Genomes Project 30x 0.00344; gnomAD 0.00349 and 0.00362.
gnomAD v4.1: 6,657 of 1,614,250 alleles (0.41%); highest among the groups gnomAD compares: Non-Finnish European, 0.45%; 16 homozygotes.

Submissions (20):

CeGaT Center for Human Genetics Tuebingen
Classification: Likely benign. Last evaluated: 2026-08-01. Review status: criteria provided, single submitter. Criteria: CeGaT Center For Human Genetics Tuebingen Variant Classification Criteria Version 2. Collection method: clinical testing. Allele origin: germline. Affected: yes. Observed: 45 variant alleles.
Comment: FANCA: BP4, BS2

Labcorp Genetics (formerly Invitae), Labcorp
Classification: Benign for Fanconi anemia. Last evaluated: 2026-02-02. Review status: criteria provided, single submitter. Criteria: Invitae Variant Classification Sherloc (09022015). Collection method: clinical testing. Allele origin: germline.

Dasa
Classification: Benign. Last evaluated: 2026-01-23. Review status: criteria provided, single submitter. Criteria: DASA Assertion Criteria. Collection method: clinical testing. Allele origin: germline.
Comment: NM_000135.4(FANCA):c.4249C>G (p.His1417Asp) is interpreted as benign based on a combination of available evidence, including population frequency, and observations in unaffected individuals. Based on the available data, this variant is classified as benign.

Mayo Clinic Laboratories, Mayo Clinic
Classification: Likely benign. Last evaluated: 2025-09-02. Review status: criteria provided, single submitter. Criteria: ACMG Guidelines, 2015. Collection method: clinical testing. Allele origin: germline. Observed: 8 variant alleles.
Comment: BS1, BP4

Quest Diagnostics Nichols Institute San Juan Capistrano
Classification: Benign. Last evaluated: 2025-07-29. Review status: criteria provided, single submitter. Criteria: Quest Diagnostics criteria. Collection method: clinical testing. Allele origin: unknown.

Blueprint Genetics
Classification: Likely benign. Last evaluated: 2024-11-21. Review status: criteria provided, single submitter. Criteria: ACMG Guidelines, 2015. Collection method: clinical testing. Allele origin: germline.

ARUP Laboratories, Molecular Genetics and Genomics, ARUP Laboratories
Classification: Likely benign for Fanconi anemia complementation group A. Last evaluated: 2024-09-30. Review status: criteria provided, single submitter. Criteria: ARUP Molecular Germline Variant Investigation Process 2024. Collection method: clinical testing. Allele origin: germline.

Women's Health and Genetics/Laboratory Corporation of America, LabCorp
Classification: Benign. Last evaluated: 2022-11-03. Review status: criteria provided, single submitter. Criteria: LabCorp Variant Classification Summary - May 2015. Collection method: clinical testing. Allele origin: germline.
Comment: Variant summary: FANCA c.4249C>G (p.His1417Asp) results in a non-conservative amino acid change in the encoded protein sequence. Four of five in-silico tools predict a benign effect of the variant on protein function. The variant allele was found at a frequency of 0.0035 in 282888 control chromosomes, including 5 homozygotes (gnomAD). The variant occurs predominantly at a frequency of 0.0043 within the Non-Finnish European subpopulation in the gnomAD database, including 3 homozygotes. The observed variant frequency within Non-Finnish European control individuals in the gnomAD database is approximately 2 fold of the estimated maximal expected allele frequency for a pathogenic variant in FANCA causing Fanconi Anemia (0.0022), strongly suggesting that the variant is a benign polymorphism found primarily in populations of Non-Finnish European origin. c.4249C>G has been reported in the literature in at least one homozygous individual affected with Fanconi Anemia (Levran_1997). This report does not provide unequivocal conclusions about association of the variant with Fanconi Anemia. At least one publication reports experimental evidence evaluating the variant's effects on FANCA phosphorylation, interaction with FANCC, FANCF and FANCG and nuclear localization and FANCD2 monoubiquitination. These experiments showed the variant behaved similarly to wild-type (Adachi_2002). Nine ClinVar submitters have assessed the variant since 2014: one classified the variant as pathogenic, two as uncertain significance, two as likely benign, and four as benign. Based on the evidence outlined above, the variant was classified as benign.

Sema4
Classification: Likely benign for Fanconi anemia. Last evaluated: 2021-06-25. Review status: criteria provided, single submitter. Criteria: Sema4 Curation Guidelines. Collection method: curation. Allele origin: germline.

GeneDx
Classification: Likely benign. Last evaluated: 2020-09-30. Review status: criteria provided, single submitter. Criteria: GeneDx Variant Classification Process June 2021. Collection method: clinical testing. Allele origin: germline. Affected: yes.
Comment: This variant is associated with the following publications: (PMID: 12444097, 27153395, 9371798, 25525159, 22995991, 24728327)

Genetic Services Laboratory, University of Chicago
Classification: Benign. Last evaluated: 2019-03-26. Review status: criteria provided, single submitter. Criteria: ACMG Guidelines, 2015. Collection method: clinical testing. Allele origin: germline. Affected: no.

Illumina Laboratory Services, Illumina
Classification: Uncertain significance for Fanconi anemia complementation group A. Last evaluated: 2017-04-27. Review status: criteria provided, single submitter. Criteria: ICSL Variant Classification Criteria 13 December 2019. Collection method: clinical testing. Allele origin: germline.

Genomic Diagnostic Laboratory, Division of Genomic Diagnostics, Children's Hospital of Philadelphia
Classification: Uncertain significance. Last evaluated: 2015-07-01. Review status: criteria provided, single submitter. Criteria: DGD Variant Analysis Guidelines. Collection method: clinical testing. Allele origin: unknown.

Natera, Inc.
Classification: Benign for Fanconi anemia, group A. Last evaluated: 2020-09-16. Review status: no assertion criteria provided. Collection method: clinical testing. Allele origin: germline. Not counted in ClinVar's aggregate classification.

Leiden Open Variation Database
Classification: Pathogenic for Fanconi anemia complementation group A. Last evaluated: 2020-02-28. Review status: no assertion criteria provided. Collection method: curation. Allele origin: germline. Affected: yes. Not counted in ClinVar's aggregate classification.
Comment: Curator: Arleen D. Auerbach. Submitter to LOVD: Arleen D. Auerbach.

PreventionGenetics, part of Exact Sciences
Classification: Likely benign for FANCA-related condition. Last evaluated: 2019-10-31. Review status: no assertion criteria provided. Collection method: clinical testing. Allele origin: germline. Not counted in ClinVar's aggregate classification.
Comment: This variant is classified as likely benign based on ACMG/AMP sequence variant interpretation guidelines (Richards et al. 2015 PMID: 25741868, with internal and published modifications).

ITMI
No classification provided. Condition: AllHighlyPenetrant. Last evaluated: 2013-09-19. Review status: no classification provided. Collection method: reference population. Allele origin: germline. Not counted in ClinVar's aggregate classification.
Comment: Please see associated publication for description of ethnicities

Clinical Genetics DNA and cytogenetics Diagnostics Lab, Erasmus MC, Erasmus Medical Center
Classification: Likely benign. Review status: no assertion criteria provided. Collection method: clinical testing. Allele origin: germline. Affected: yes. Study: VKGL Data-share Consensus. Not counted in ClinVar's aggregate classification.

Genome Diagnostics Laboratory, Amsterdam University Medical Center
Classification: Benign. Review status: no assertion criteria provided. Collection method: clinical testing. Allele origin: germline. Affected: yes. Study: VKGL Data-share Consensus. Not counted in ClinVar's aggregate classification.

Laboratory of Diagnostic Genome Analysis, Leiden University Medical Center (LUMC)
Classification: Likely benign. Review status: no assertion criteria provided. Collection method: clinical testing. Allele origin: germline. Affected: yes. Study: VKGL Data-share Consensus. Not counted in ClinVar's aggregate classification.

Literature cited by the submitters: PubMed 12444097 (cited by 3 submitters); PubMed 9371798 (cited by Women's Health and Genetics/Laboratory Corporation of America, LabCorp); PubMed 24728327 (cited by ITMI).

NM_000135.4(FANCA):c.4249C>G (p.His1417Asp)

Genes: FANCA (FA complementation group A; minus strand), ZNF276 (zinc finger protein 276; plus strand). Cytogenetic location: 16q24.3.
Variant type: single nucleotide variant.
Coding change: c.4249C>G on transcript NM_000135.4 (MANE Select); coding-DNA position 4249, C replaced by G.
Protein change: p.His1417Asp; replaces histidine 1417 with aspartic acid.
Molecular consequence: missense variant. On other transcripts: 3 prime UTR variant (2), non-coding transcript variant (4).
Genome position (GRCh38, 1-based): chr16:89,738,893, G>C on the plus strand (C>G on the coding strand, the complement: FANCA is on the minus strand). VCF-style: chr16-89738893-G-C. GRCh37 (hg19) VCF-style: chr16-89805301-G-C.
Other names: c.4249C>G (NM_000135.3); c.4253C>G, p.Thr1418Arg (NM_001286167.3); c.*647G>C (NM_001113525.2, NM_152287.4); short protein forms H1417D, T1418R.
Identifiers: ClinVar variation 134282 (VCV000134282.69), dbSNP rs17227403, ClinGen allele CA248738.